The following is an entry in ClinVar:

NM_001077653.2(TBX20):c.1273T>C (p.Phe425Leu)

Gene: TBX20 (T-box transcription factor 20; minus strand). Cytogenetic location: 7p14.2.
Variant type: single nucleotide variant.
Coding change: c.1273T>C on transcript NM_001077653.2 (MANE Select); coding-DNA position 1273, T replaced by C.
Protein change: p.Phe425Leu; replaces phenylalanine 425 with leucine.
Molecular consequence: missense variant.
Genome position (GRCh38, 1-based): chr7:35,202,501, A>G on the plus strand (T>C on the coding strand, the complement: TBX20 is on the minus strand). VCF-style: chr7-35202501-A-G. GRCh37 (hg19) VCF-style: chr7-35242113-A-G.
Other names: short protein forms F425L.
Identifiers: ClinVar variation 3453882 (VCV003453882.1).

ClinVar aggregate classification (germline): Uncertain significance (1 of 4 stars; one submission).

Conditions:
Cardiovascular phenotype. Identifiers: MedGen CN230736.

gnomAD v4.1: 4 of 1,609,458 alleles (0.00025%); highest among the groups gnomAD compares: Non-Finnish European, 0.00034%; no homozygotes.

Submission:

Ambry Genetics
Classification: Uncertain significance for Cardiovascular phenotype. Last evaluated: 2024-11-10. Review status: criteria provided, single submitter. Criteria: Ambry Variant Classification Scheme 2023. Collection method: clinical testing. Allele origin: germline.
Comment: The p.F425L variant (also known as c.1273T>C), located in coding exon 8 of the TBX20 gene, results from a T to C substitution at nucleotide position 1273. The phenylalanine at codon 425 is replaced by leucine, an amino acid with highly similar properties. This amino acid position is conserved. In addition, the in silico prediction for this alteration is inconclusive. Based on the available evidence, the clinical significance of this variant remains unclear.